The following is an entry in ClinVar:

ClinVar aggregate classification (germline): Uncertain significance (1 of 4 stars; one submission).

Conditions:
BRAT1-related disorder. Also called: BRAT1-related condition; BRAT1-related disorders.

gnomAD v4.1: 308 of 1,597,364 alleles (0.019%); highest among the groups gnomAD compares: Non-Finnish European, 0.025%; no homozygotes.

Submission:

3billion
Classification: Uncertain significance for BRAT1-related disorder. Last evaluated: 2024-10-24. Review status: criteria provided, single submitter. Criteria: ACMG Guidelines, 2015. Collection method: clinical testing. Allele origin: germline. Affected: yes.
Comment: The variant is not observed in the gnomAD v4.1.0 dataset. Predicted Consequence/Location: Canonical splice site: predicted to alter splicing and result in a loss or disruption of normal protein function. Multiple pathogenic loss-of-function variants are reported downstream of the variant. In silico tools predict the variant to alter splicing and produce an abnormal transcript [SpliceAI: 1.00 (spliceogenicity >=0.2, non-spliceogenicity <0.1)]. Therefore, this variant is classified as Likely pathogenic according to the recommendation of ACMG/AMP guideline.

NM_152743.4(BRAT1):c.1771-23C>T

Gene: BRAT1 (BRCA1 associated ATM activator 1; minus strand). Cytogenetic location: 7p22.3.
Variant type: single nucleotide variant.
Coding change: c.1771-23C>T on transcript NM_152743.4 (MANE Select); 23 bases into the intron before coding-DNA position 1771, C replaced by T.
Molecular consequence: intron variant. On other transcripts: missense variant (1).
Genome position (GRCh38, 1-based): chr7:2,538,787, G>A on the plus strand (C>T on the coding strand, the complement: BRAT1 is on the minus strand). VCF-style: chr7-2538787-G-A. GRCh37 (hg19) VCF-style: chr7-2578421-G-A.
Other names: c.1928C>T, p.Pro643Leu (NM_001350626.2); c.1246-23C>T (NM_001350627.2); short protein forms P643L.
Identifiers: ClinVar variation 4292055 (VCV004292055.1).